The following is an entry in ClinVar:

NM_003738.5(PTCH2):c.1189C>T (p.Arg397Cys)

Gene: PTCH2 (patched 2; minus strand). Cytogenetic location: 1p34.1.
Variant type: single nucleotide variant.
Coding change: c.1189C>T on transcript NM_003738.5 (MANE Select); coding-DNA position 1189, C replaced by T.
Protein change: p.Arg397Cys; replaces arginine 397 with cysteine.
Molecular consequence: missense variant.
Genome position (GRCh38, 1-based): chr1:44,829,428, G>A on the plus strand (C>T on the coding strand, the complement: PTCH2 is on the minus strand). VCF-style: chr1-44829428-G-A. GRCh37 (hg19) VCF-style: chr1-45295100-G-A.
Other names: c.1189C>T, p.Arg397Cys (NM_001166292.2); short protein forms R397C.
Identifiers: ClinVar variation 2918838 (VCV002918838.3), dbSNP rs781116824, ClinGen allele CA823401.

ClinVar aggregate classification (germline): Uncertain significance (1 of 4 stars; one submission).

Conditions:
Gorlin syndrome. Also called: Basal cell nevus syndrome; Nevoid Basal Cell Carcinoma Syndrome. Identifiers: Orphanet 377, MedGen C0004779, MONDO:0007187.

Allele frequency attached by ClinVar (database versions not stated): gnomAD 0.00001; gnomAD exomes 0.00001; TOPMed 0.00004; ExAC 0.00005.
gnomAD v4.1: 21 of 1,613,798 alleles (0.0013%); highest among the groups gnomAD compares: Admixed American, 0.012%; no homozygotes.

Submission:

Labcorp Genetics (formerly Invitae), Labcorp
Classification: Uncertain significance for Gorlin syndrome. Last evaluated: 2024-04-13. Review status: criteria provided, single submitter. Criteria: Invitae Variant Classification Sherloc (09022015). Collection method: clinical testing. Allele origin: germline.
Comment: This sequence change replaces arginine, which is basic and polar, with cysteine, which is neutral and slightly polar, at codon 397 of the PTCH2 protein (p.Arg397Cys). This variant is present in population databases (rs781116824, gnomAD 0.02%). This variant has not been reported in the literature in individuals affected with PTCH2-related conditions. Advanced modeling of protein sequence and biophysical properties (such as structural, functional, and spatial information, amino acid conservation, physicochemical variation, residue mobility, and thermodynamic stability) has been performed at Invitae for this missense variant, however the output from this modeling did not meet the statistical confidence thresholds required to predict the impact of this variant on PTCH2 protein function. In summary, the available evidence is currently insufficient to determine the role of this variant in disease. Therefore, it has been classified as a Variant of Uncertain Significance.